The following is an entry in ClinVar:

NM_002335.4(LRP5):c.1732C>T (p.Arg578Trp)

Gene: LRP5 (LDL receptor related protein 5; plus strand). Cytogenetic location: 11q13.2.
Variant type: single nucleotide variant.
Coding change: c.1732C>T on transcript NM_002335.4 (MANE Select); coding-DNA position 1732, C replaced by T.
Protein change: p.Arg578Trp; replaces arginine 578 with tryptophan.
Molecular consequence: missense variant. On other transcripts: 5 prime UTR variant (1).
Genome position (GRCh38, 1-based): chr11:68,403,630, C>T. VCF-style: chr11-68403630-C-T. GRCh37 (hg19) VCF-style: chr11-68171098-C-T.
Other names: c.-206C>T (NM_001291902.2); short protein forms R578W.
Identifiers: ClinVar variation 1703428 (VCV001703428.8), dbSNP rs765468063, ClinGen allele CA6149417.

ClinVar aggregate classification (germline): Conflicting classifications of pathogenicity. Review status: criteria provided, conflicting classifications (1 of 4 stars). 4 submissions from 4 submitters: Likely pathogenic (1); Uncertain significance (3). Last evaluated 2026-09-28.

Conditions:
Retinal dystrophy. Also called: Inherited retinal dystrophy. Identifiers: Orphanet 71862, MedGen C0854723, MeSH D058499, MONDO:0019118, HP:0000556.

Allele frequency attached by ClinVar (database versions not stated): ExAC 0.00002; gnomAD exomes 0.00001; TOPMed 0.00001.
gnomAD v4.1: 6 of 1,614,174 alleles (0.00037%); highest among the groups gnomAD compares: East Asian, 0.0045%; no homozygotes.

Submissions (4):

GeneDx
Classification: Likely pathogenic. Last evaluated: 2026-09-28. Review status: criteria provided, single submitter. Criteria: GeneDx Variant Classification Process June 2021. Collection method: clinical testing. Allele origin: germline.
Comment: Not observed at significant frequency in large population cohorts (gnomAD); In silico analysis supports that this missense variant has a deleterious effect on protein structure/function; This variant is associated with the following publications: (PMID: 31237656)

Labcorp Genetics (formerly Invitae), Labcorp
Classification: Uncertain significance. Last evaluated: 2024-04-22. Review status: criteria provided, single submitter. Criteria: Invitae Variant Classification Sherloc (09022015). Collection method: clinical testing. Allele origin: germline.
Comment: This sequence change replaces arginine, which is basic and polar, with tryptophan, which is neutral and slightly polar, at codon 578 of the LRP5 protein (p.Arg578Trp). This variant is present in population databases (rs765468063, gnomAD 0.006%). This missense change has been observed in individual(s) with clinical features of exudative vitreoretinopathy (PMID: 31237656). ClinVar contains an entry for this variant (Variation ID: 1703428). Advanced modeling of protein sequence and biophysical properties (such as structural, functional, and spatial information, amino acid conservation, physicochemical variation, residue mobility, and thermodynamic stability) has been performed at Invitae for this missense variant, however the output from this modeling did not meet the statistical confidence thresholds required to predict the impact of this variant on LRP5 protein function. This variant disrupts the p.Arg578 amino acid residue in LRP5. Other variant(s) that disrupt this residue have been observed in individuals with LRP5-related conditions (PMID: 31106028, 31237656), which suggests that this may be a clinically significant amino acid residue. In summary, the available evidence is currently insufficient to determine the role of this variant in disease. Therefore, it has been classified as a Variant of Uncertain Significance.

Blueprint Genetics
Classification: Uncertain significance. Last evaluated: 2023-11-10. Review status: criteria provided, single submitter. Criteria: ACMG Guidelines, 2015. Collection method: clinical testing. Allele origin: germline.

Institute of Human Genetics, Univ. Regensburg, Univ. Regensburg
Classification: Uncertain significance for Retinal dystrophy. Last evaluated: 2022-01-01. Review status: criteria provided, single submitter. Criteria: ACMG Guidelines, 2015. Collection method: clinical testing. Allele origin: germline. Affected: yes.

Literature cited by the submitters: PubMed 31237656 (cited by Labcorp Genetics (formerly Invitae), Labcorp and Institute of Human Genetics, Univ. Regensburg, Univ. Regensburg); PubMed 31106028 (cited by Labcorp Genetics (formerly Invitae), Labcorp).